The following is an entry in ClinVar:

NM_000493.4(COL10A1):c.302G>C (p.Gly101Ala)

Genes: COL10A1 (collagen type X alpha 1 chain; minus strand), NT5DC1 (5'-nucleotidase domain containing 1; plus strand). Cytogenetic location: 6q22.1.
Variant type: single nucleotide variant.
Coding change: c.302G>C on transcript NM_000493.4 (MANE Select); coding-DNA position 302, G replaced by C.
Protein change: p.Gly101Ala; replaces glycine 101 with alanine.
Molecular consequence: missense variant. On other transcripts: intron variant (1).
Genome position (GRCh38, 1-based): chr6:116,121,814, C>G on the plus strand (G>C on the coding strand, the complement: COL10A1 is on the minus strand). VCF-style: chr6-116121814-C-G. GRCh37 (hg19) VCF-style: chr6-116442977-C-G.
Other names: c.302G>C, p.Gly101Ala (NM_001424106.1, NM_001424107.1); c.529+3869C>G (NM_152729.3); short protein forms G101A.
Identifiers: ClinVar variation 1360370 (VCV001360370.11), dbSNP rs749837227, ClinGen allele CA3968429.

ClinVar aggregate classification (germline): Conflicting classifications of pathogenicity. Review status: criteria provided, conflicting classifications (1 of 4 stars). 4 submissions from 4 submitters: Uncertain significance (3); Likely benign (1). Last evaluated 2026-04-01.

Conditions:
Inborn genetic diseases. Identifiers: MedGen C0950123, MeSH D030342.

Allele frequency attached by ClinVar (database versions not stated): ExAC 0.00002; gnomAD exomes 0.00002 and 0.00004.
gnomAD v4.1: 12 of 1,613,978 alleles (0.00074%); highest among the groups gnomAD compares: Admixed American, 0.018%; no homozygotes.

Submissions (4):

CeGaT Center for Human Genetics Tuebingen
Classification: Likely benign. Last evaluated: 2026-04-01. Review status: criteria provided, single submitter. Criteria: CeGaT Center For Human Genetics Tuebingen Variant Classification Criteria Version 2. Collection method: clinical testing. Allele origin: germline. Affected: yes. Observed: 1 variant allele.
Comment: COL10A1: BP5

Ambry Genetics
Classification: Uncertain significance for Inborn genetic diseases. Last evaluated: 2025-01-17. Review status: criteria provided, single submitter. Criteria: Ambry Variant Classification Scheme 2023. Collection method: clinical testing. Allele origin: germline.

Labcorp Genetics (formerly Invitae), Labcorp
Classification: Uncertain significance. Last evaluated: 2022-12-31. Review status: criteria provided, single submitter. Criteria: Invitae Variant Classification Sherloc (09022015). Collection method: clinical testing. Allele origin: germline.
Comment: This variant has not been reported in the literature in individuals affected with COL10A1-related conditions. ClinVar contains an entry for this variant (Variation ID: 1360370). Advanced modeling of protein sequence and biophysical properties (such as structural, functional, and spatial information, amino acid conservation, physicochemical variation, residue mobility, and thermodynamic stability) has been performed at Invitae for this missense variant, however the output from this modeling did not meet the statistical confidence thresholds required to predict the impact of this variant on COL10A1 protein function. In summary, the available evidence is currently insufficient to determine the role of this variant in disease. Therefore, it has been classified as a Variant of Uncertain Significance. This variant is present in population databases (rs749837227, gnomAD 0.02%). This sequence change replaces glycine, which is neutral and non-polar, with alanine, which is neutral and non-polar, at codon 101 of the COL10A1 protein (p.Gly101Ala).

Blueprint Genetics
Classification: Uncertain significance. Last evaluated: 2022-09-19. Review status: criteria provided, single submitter. Criteria: ACMG Guidelines, 2015. Collection method: clinical testing. Allele origin: germline.